The following is an entry in ClinVar:

NM_021927.3(GUF1):c.10C>G (p.Leu4Val)

Genes: GUF1 (GTP binding elongation factor GUF1; plus strand), LOC129992541 (ATAC-STARR-seq lymphoblastoid silent region 15397; plus strand). Cytogenetic location: 4p12.
Variant type: single nucleotide variant.
Coding change: c.10C>G on transcript NM_021927.3 (MANE Select); coding-DNA position 10, C replaced by G.
Protein change: p.Leu4Val; replaces leucine 4 with valine.
Molecular consequence: missense variant. On other transcripts: 5 prime UTR variant (2).
Genome position (GRCh38, 1-based): chr4:44,678,632, C>G. VCF-style: chr4-44678632-C-G. GRCh37 (hg19) VCF-style: chr4-44680649-C-G.
Other names: c.-959C>G (NM_001345867.2); c.10C>G, p.Leu4Val (NM_001345868.2); c.-851C>G (NM_001345869.2); short protein forms L4V.
Identifiers: ClinVar variation 2900996 (VCV002900996.3), dbSNP rs538769462, ClinGen allele CA2905156.

ClinVar aggregate classification (germline): Uncertain significance (1 of 4 stars; one submission).

Allele frequency attached by ClinVar (database versions not stated): gnomAD 0.00001; TOPMed 0.00001; ExAC 0.00003; 1000 Genomes Project 0.00020; 1000 Genomes Project 30x 0.00031.

Submission:

Labcorp Genetics (formerly Invitae), Labcorp
Classification: Uncertain significance. Last evaluated: 2024-03-04. Review status: criteria provided, single submitter. Criteria: Invitae Variant Classification Sherloc (09022015). Collection method: clinical testing. Allele origin: germline.
Comment: This sequence change replaces leucine, which is neutral and non-polar, with valine, which is neutral and non-polar, at codon 4 of the GUF1 protein (p.Leu4Val). This variant is present in population databases (rs538769462, gnomAD 0.03%). This variant has not been reported in the literature in individuals affected with GUF1-related conditions. An algorithm developed to predict the effect of missense changes on protein structure and function (PolyPhen-2) suggests that this variant is likely to be tolerated. In summary, the available evidence is currently insufficient to determine the role of this variant in disease. Therefore, it has been classified as a Variant of Uncertain Significance.